The following is an entry in ClinVar:

NM_004304.5(ALK):c.2816-3C>T

Gene: ALK (ALK receptor tyrosine kinase; minus strand). Cytogenetic location: 2p23.2.
Variant type: single nucleotide variant.
Coding change: c.2816-3C>T on transcript NM_004304.5 (MANE Select); 3 bases into the intron before coding-DNA position 2816, C replaced by T.
Molecular consequence: intron variant.
Genome position (GRCh38, 1-based): chr2:29,227,675, G>A on the plus strand (C>T on the coding strand, the complement: ALK is on the minus strand). VCF-style: chr2-29227675-G-A. GRCh37 (hg19) VCF-style: chr2-29450541-G-A.
Identifiers: ClinVar variation 837088 (VCV000837088.8), dbSNP rs533733008, ClinGen allele CA1594170.
Genomic context (GRCh38, chr2:29,227,675, plus strand): 5'-AAGGAAACCCCATCTTCCCCATCCATTTCGGGGTCATTGTTTGAGGCTGCATTGCCGCCT[G>A]AGTAGCAAACCAGAGCAGAGTTTAACATGGGGGGTGGGTGCCAAAATCTTAACACACACA-3'

ClinVar aggregate classification (germline): Uncertain significance. Review status: criteria provided, multiple submitters, no conflicts (2 of 4 stars). 2 submissions from 2 submitters: Uncertain significance (2). Last evaluated 2025-11-05.

Conditions:
Neuroblastoma, susceptibility to, 3. Also called: ALK-Related Neuroblastic Tumor Susceptibility. Identifiers: Orphanet 635, MedGen C2751681, MONDO:0013083, OMIM 613014.
Hereditary cancer-predisposing syndrome. Also called: Neoplastic Syndromes, Hereditary; Hereditary neoplastic syndrome; Tumor predisposition; Hereditary Cancer Syndrome. Identifiers: Orphanet 140162, MedGen C0027672, MeSH D009386, MONDO:0015356.

Allele frequency attached by ClinVar (database versions not stated): ExAC 0.00001; gnomAD exomes 0.00001 and 0.00002; TOPMed 0.00001; gnomAD 0.00002 and 0.00003.
gnomAD v4.1: 14 of 1,613,014 alleles (0.00087%); highest among the groups gnomAD compares: South Asian, 0.0022%; no homozygotes.

Submissions (2):

Labcorp Genetics (formerly Invitae), Labcorp
Classification: Uncertain significance for Neuroblastoma, susceptibility to, 3. Last evaluated: 2025-11-05. Review status: criteria provided, single submitter. Criteria: Invitae Variant Classification Sherloc (09022015). Collection method: clinical testing. Allele origin: germline.
Comment: This sequence change falls in intron 16 of the ALK gene. It does not directly change the encoded amino acid sequence of the ALK protein. It affects a nucleotide within the consensus splice site. This variant is present in population databases (rs533733008, gnomAD 0.003%). This variant has not been reported in the literature in individuals affected with ALK-related conditions. ClinVar contains an entry for this variant (Variation ID: 837088). Variants that disrupt the consensus splice site are a relatively common cause of aberrant splicing (PMID: 17576681, 9536098). Algorithms developed to predict the effect of sequence changes on RNA splicing suggest that this variant is not likely to affect RNA splicing. In summary, the available evidence is currently insufficient to determine the role of this variant in disease. Therefore, it has been classified as a Variant of Uncertain Significance.

Ambry Genetics
Classification: Uncertain significance for Hereditary cancer-predisposing syndrome. Last evaluated: 2025-01-06. Review status: criteria provided, single submitter. Criteria: Ambry Variant Classification Scheme 2023. Collection method: clinical testing. Allele origin: germline.
Comment: The c.2816-3C>T intronic variant results from a C to T substitution 3 nucleotides upstream from coding exon 17 in the ALK gene. This nucleotide position is highly conserved in available vertebrate species. In silico splice site analysis predicts that this alteration will not have any significant effect on splicing. Based on the available evidence, the clinical significance of this variant remains unclear.

Literature cited by the submitters: PubMed 17576681 (cited by Labcorp Genetics (formerly Invitae), Labcorp); PubMed 9536098 (cited by Labcorp Genetics (formerly Invitae), Labcorp).